The following is an entry in ClinVar:

ClinVar aggregate classification (germline): Likely benign. Review status: criteria provided, multiple submitters, no conflicts (2 of 4 stars). 2 submissions from 2 submitters: Likely benign (2). Last evaluated 2022-06-14.

Allele frequency attached by ClinVar (database versions not stated): gnomAD 0.00001; gnomAD exomes 0.00001; ExAC 0.00002.
gnomAD v4.1: 9 of 1,613,738 alleles (0.00056%); highest among the groups gnomAD compares: African/African-American, 0.0013%; no homozygotes.

Submissions (2):

Blueprint Genetics
Classification: Likely benign. Last evaluated: 2022-06-14. Review status: criteria provided, single submitter. Criteria: ACMG Guidelines, 2015. Collection method: clinical testing. Allele origin: germline.

GeneDx
Classification: Likely benign. Last evaluated: 2016-04-11. Review status: criteria provided, single submitter. Criteria: GeneDx Variant Classification (06012015). Collection method: clinical testing. Allele origin: germline. Affected: yes.
Comment: This variant is considered likely benign or benign based on one or more of the following criteria: it is a conservative change, it occurs at a poorly conserved position in the protein, it is predicted to be benign by multiple in silico algorithms, and/or has population frequency not consistent with disease.

NM_002397.5(MEF2C):c.402+18C>T

Gene: MEF2C (myocyte enhancer factor 2C; minus strand). Cytogenetic location: 5q14.3.
Variant type: single nucleotide variant.
Coding change: c.402+18C>T on transcript NM_002397.5 (MANE Select); 18 bases into the intron after coding-DNA position 402, C replaced by T.
Molecular consequence: intron variant.
Genome position (GRCh38, 1-based): chr5:88,761,167, G>A on the plus strand (C>T on the coding strand, the complement: MEF2C is on the minus strand). VCF-style: chr5-88761167-G-A. GRCh37 (hg19) VCF-style: chr5-88056984-G-A.
Other names: c.402+18C>T (NM_001364329.2, NM_001364330.2, NM_001364333.2 and 18 more transcripts); c.259-9124C>T (NM_001364344.2, NM_001364354.2, NM_001364332.2 and 3 more transcripts); c.24+18C>T (NM_001364353.2, NM_001364356.2); c.259-42C>T (NM_001131005.2, NM_001364352.2, NM_001364343.2); c.319-42C>T (NM_001193347.1, NM_001364338.2); c.-24-9124C>T (NM_001364357.2).
Identifiers: ClinVar variation 385279 (VCV000385279.2), dbSNP rs759365719, ClinGen allele CA3337334.